The following is an entry in ClinVar:

NM_007118.4(TRIO):c.9088C>T (p.Leu3030Phe)

Gene: TRIO (trio Rho guanine nucleotide exchange factor; plus strand). Cytogenetic location: 5p15.2.
Variant type: single nucleotide variant.
Coding change: c.9088C>T on transcript NM_007118.4 (MANE Select); coding-DNA position 9088, C replaced by T.
Protein change: p.Leu3030Phe; replaces leucine 3030 with phenylalanine.
Molecular consequence: missense variant. On other transcripts: non-coding transcript variant (1).
Genome position (GRCh38, 1-based): chr5:14,508,216, C>T. VCF-style: chr5-14508216-C-T. GRCh37 (hg19) VCF-style: chr5-14508325-C-T.
Other names: c.9088C>T (NM_007118.2); short protein forms L3030F.
Identifiers: ClinVar variation 1690728 (VCV001690728.5), dbSNP rs2126724644, ClinGen allele CA359241367.
Genomic context (GRCh38, chr5:14,508,216, plus strand): 5'-AGCTTCCCAGATGACTACTTTAAAGGAGTGAGCCAGAAGGCCAAGGAGTTCGTGTGCTTC[C>T]TCCTGCAGGAGGACCCCGCCAAGCGTCCCTCGGCTGCGCTGGCCCTCCAGGAGCAGTGGC-3'
Protein context (NP_009049.2, residues 3020-3040): SQKAKEFVCF[Leu3030Phe]LQEDPAKRPS

ClinVar aggregate classification (germline): Uncertain significance. Review status: criteria provided, multiple submitters, no conflicts (2 of 4 stars). 2 submissions from 2 submitters: Uncertain significance (2). Last evaluated 2019-11-07.

Allele frequency attached by ClinVar (database versions not stated): gnomAD exomes below 0.00001.
gnomAD v4.1: 3 of 1,614,114 alleles (0.00019%); highest among the groups gnomAD compares: Non-Finnish European, 0.00025%; no homozygotes.

Submissions (2):

Laboratorio de Genetica e Diagnostico Molecular, Hospital Israelita Albert Einstein
Classification: Uncertain significance. Last evaluated: 2019-11-07. Review status: criteria provided, single submitter. Criteria: ACMG Guidelines, 2015. Collection method: clinical testing. Allele origin: germline. Affected: yes.
Comment: ACMG classification criteria: PM2

Revvity Omics, Revvity
Classification: Uncertain significance. Last evaluated: 2019-06-17. Review status: criteria provided, single submitter. Criteria: ACMG Guidelines, 2015. Collection method: clinical testing. Allele origin: germline.